The following is an entry in ClinVar:

ClinVar aggregate classification (germline): Uncertain significance (1 of 4 stars; one submission).

Submission:

GeneDx
Classification: Uncertain significance. Last evaluated: 2024-09-24. Review status: criteria provided, single submitter. Criteria: GeneDx Variant Classification Process June 2021. Collection method: clinical testing. Allele origin: germline. Affected: yes.
Comment: Not observed at significant frequency in large population cohorts (gnomAD); In silico analysis supports that this missense variant has a deleterious effect on protein structure/function; Has not been previously published as pathogenic or benign to our knowledge

NM_005909.5(MAP1B):c.367G>A (p.Glu123Lys)

Gene: MAP1B (microtubule associated protein 1B; plus strand). Cytogenetic location: 5q13.2.
Variant type: single nucleotide variant.
Coding change: c.367G>A on transcript NM_005909.5 (MANE Select); coding-DNA position 367, G replaced by A.
Protein change: p.Glu123Lys; replaces glutamic acid 123 with lysine.
Molecular consequence: missense variant. On other transcripts: 5 prime UTR variant (1).
Genome position (GRCh38, 1-based): chr5:72,183,823, G>A. VCF-style: chr5-72183823-G-A. GRCh37 (hg19) VCF-style: chr5-71479650-G-A.
Other names: c.-12G>A (NM_001324255.2); short protein forms E123K.
Identifiers: ClinVar variation 3774130 (VCV003774130.1).